The following is an entry in ClinVar:

ClinVar aggregate classification (germline): Pathogenic (1 of 4 stars; one submission).

Allele frequency attached by ClinVar (database versions not stated): gnomAD exomes below 0.00001; TOPMed below 0.00001; gnomAD 0.00001.
gnomAD v4.1: 2 of 1,613,972 alleles (0.00012%); highest among the groups gnomAD compares: Non-Finnish European, 0.00017%; no homozygotes.

Submission:

Labcorp Genetics (formerly Invitae), Labcorp
Classification: Pathogenic. Last evaluated: 2023-09-17. Review status: criteria provided, single submitter. Criteria: Invitae Variant Classification Sherloc (09022015). Collection method: clinical testing. Allele origin: germline.
Comment: This sequence change creates a premature translational stop signal (p.Arg1160*) in the LRP2 gene. It is expected to result in an absent or disrupted protein product. Loss-of-function variants in LRP2 are known to be pathogenic (PMID: 17632512, 25682901). For these reasons, this variant has been classified as Pathogenic. This variant has not been reported in the literature in individuals affected with LRP2-related conditions. This variant is not present in population databases (gnomAD no frequency).

Literature cited by the submitters: PubMed 17632512; PubMed 25682901.

NM_004525.3(LRP2):c.3478C>T (p.Arg1160Ter)

Gene: LRP2 (LDL receptor related protein 2; minus strand). Cytogenetic location: 2q31.1.
Variant type: single nucleotide variant.
Coding change: c.3478C>T on transcript NM_004525.3 (MANE Select); coding-DNA position 3478, C replaced by T.
Protein change: p.Arg1160Ter; replaces arginine 1160 with a stop codon.
Molecular consequence: nonsense.
Genome position (GRCh38, 1-based): chr2:169,243,475, G>A on the plus strand (C>T on the coding strand, the complement: LRP2 is on the minus strand). VCF-style: chr2-169243475-G-A. GRCh37 (hg19) VCF-style: chr2-170099985-G-A.
Other names: short protein forms R1160*.
Identifiers: ClinVar variation 2793310 (VCV002793310.3), dbSNP rs1368584894, ClinGen allele CA349150381.